The following is an entry in ClinVar:

ClinVar aggregate classification (germline): Uncertain significance (1 of 4 stars; one submission).

Conditions:
Cardiovascular phenotype. Identifiers: MedGen CN230736.

Allele frequency attached by ClinVar (database versions not stated): gnomAD exomes below 0.00001.
gnomAD v4.1: 3 of 1,603,400 alleles (0.00019%); highest among the groups gnomAD compares: South Asian, 0.0011%; no homozygotes.

Submission:

Ambry Genetics
Classification: Uncertain significance for Cardiovascular phenotype. Last evaluated: 2021-10-13. Review status: criteria provided, single submitter. Criteria: Ambry Variant Classification Scheme 2023. Collection method: clinical testing. Allele origin: germline.
Comment: The p.G54R variant (also known as c.160G>A), located in coding exon 3 of the TRPM4 gene, results from a G to A substitution at nucleotide position 160. The glycine at codon 54 is replaced by arginine, an amino acid with dissimilar properties. This amino acid position is conserved. In addition, this alteration is predicted to be tolerated by in silico analysis. Since supporting evidence is limited at this time, the clinical significance of this alteration remains unclear.

NM_017636.4(TRPM4):c.160G>A (p.Gly54Arg)

Gene: TRPM4 (transient receptor potential cation channel subfamily M member 4; plus strand). Cytogenetic location: 19q13.33.
Variant type: single nucleotide variant.
Coding change: c.160G>A on transcript NM_017636.4 (MANE Select); coding-DNA position 160, G replaced by A.
Protein change: p.Gly54Arg; replaces glycine 54 with arginine.
Molecular consequence: missense variant. On other transcripts: 5 prime UTR variant (1), intron variant (2).
Genome position (GRCh38, 1-based): chr19:49,166,108, G>A. VCF-style: chr19-49166108-G-A. GRCh37 (hg19) VCF-style: chr19-49669365-G-A.
Other names: c.160G>A, p.Gly54Arg (NM_001195227.2, NM_001321281.2); c.-1213G>A (NM_001321282.2); c.-74-2152G>A (NM_001321283.2); c.-237-2445G>A (NM_001321285.2); short protein forms G54R.
Identifiers: ClinVar variation 1776367 (VCV001776367.2), dbSNP rs2514046663, ClinGen allele CA406789476.